The following is an entry in ClinVar:

Conditions:
Breast-ovarian cancer, familial, susceptibility to, 1 (BROVCA1). Also called: BRCA1 Hereditary Breast and Ovarian Cancer; OVARIAN CANCER, SUSCEPTIBILITY TO. Identifiers: Orphanet 145, MedGen C2676676, MONDO:0011450, OMIM 604370. Disease mechanism: loss of function.

Submission:

Brotman Baty Institute, University of Washington
No classification provided (evidence only). Condition: Breast-ovarian cancer, familial 1. Review status: no classification provided. Collection method: in vitro. Allele origin: not applicable. Functional consequence: functionally_normal.
ClinVar note: "not provided" was previously submitted as the classification for the variant. However, the classification appeared to be based only on an observation of functional data so it was converted to no classification on 2025-07-30.

NM_007294.4(BRCA1):c.81-21T>G

Gene: BRCA1 (BRCA1 DNA repair associated; minus strand). Cytogenetic location: 17q21.31.
Variant type: single nucleotide variant.
Coding change: c.81-21T>G on transcript NM_007294.4 (MANE Select); 21 bases into the intron before coding-DNA position 81, T replaced by G.
Molecular consequence: intron variant.
Genome position (GRCh38, 1-based): chr17:43,115,800, A>C on the plus strand (T>G on the coding strand, the complement: BRCA1 is on the minus strand). VCF-style: chr17-43115800-A-C. GRCh37 (hg19) VCF-style: chr17-41267817-A-C.
Other names: c.-61-21T>G (NM_001408458.1, NM_001408470.1, NM_001407848.1 and 47 more transcripts); c.-219+9477T>G (NM_001407967.1); c.-170+9477T>G (NM_001407959.1); c.-7-9267T>G (NM_001407931.1, NM_001407747.1, NM_001408511.1 and 2 more transcripts); c.-223-21T>G (NM_001407962.1, NM_001408512.1, NM_001408510.1 and 1 more transcripts); c.-108-21T>G (NM_001407885.1, NM_001407886.1, NM_001408509.1 and 52 more transcripts); c.-177-21T>G (NM_001407746.1, NM_001408468.1, NM_001407842.1 and 13 more transcripts); c.-8+8217T>G (NM_001408461.1, NM_001407738.1, NM_001407932.1 and 23 more transcripts); and 10 more.
Identifiers: ClinVar variation 867443 (VCV000867443.3), dbSNP rs2055269377, ClinGen allele CA916081099.